The following is an entry in ClinVar:

ClinVar aggregate classification (germline): Conflicting classifications of pathogenicity. Review status: criteria provided, conflicting classifications (1 of 4 stars). 7 submissions from 7 submitters: Likely pathogenic (1); Uncertain significance (6). Last evaluated 2025-11-21.

Conditions:
Autosomal dominant nonsyndromic hearing loss 6 (LFSNHL). Also called: Autosomal dominant nonsyndromic deafness 6; DEAFNESS, AUTOSOMAL DOMINANT 6; DEAFNESS, AUTOSOMAL DOMINANT 14; DEAFNESS, AUTOSOMAL DOMINANT 38. Identifiers: Orphanet 90635, MedGen C1833021, MONDO:0010963, OMIM 600965.
Wolfram syndrome 1 (WFS1). Identifiers: Orphanet 3463, MedGen C4551693, MONDO:0009101, OMIM 222300.
WFS1-related disorder. Identifiers: MedGen CN379391, MONDO:0700293.
Cataract 41 (CTRCT41). Also called: CATARACT 41, CONGENITAL NUCLEAR TYPE. Identifiers: Orphanet 91492, Orphanet 98991, Orphanet 98992, Orphanet 98995, MedGen C3805412, MONDO:0007287, OMIM 116400.
Type 2 diabetes mellitus. Also called: Type II diabetes mellitus. Identifiers: MedGen C0011860, MeSH D003924, MONDO:0005148, OMIM 125853, HP:0005978.
Wolfram-like syndrome. Also called: HEARING LOSS, PROGRESSIVE, WITH OPTIC ATROPHY AND/OR IMPAIRED GLUCOSE REGULATION. Identifiers: Orphanet 411590, MedGen C3280358, MONDO:0013673, OMIM 614296.

Allele frequency attached by ClinVar (database versions not stated): gnomAD exomes 0.00002; ExAC 0.00003; gnomAD 0.00005 and 0.00006; TOPMed 0.00005; ESP Exome Variant Server 0.00008.
gnomAD v4.1: 65 of 1,612,138 alleles (0.004%); highest among the groups gnomAD compares: African/African-American, 0.008%; no homozygotes.

Submissions (7):

Dasa
Classification: Uncertain significance. Last evaluated: 2025-11-21. Review status: criteria provided, single submitter. Criteria: DASA Assertion Criteria. Collection method: clinical testing. Allele origin: germline.
Comment: NM_006005.3(WFS1):c.1549C>T (p.Arg517Cys) is a missense variant that results in the substitution of arginine with cysteine. The affected residue or protein region has prior evidence supporting clinical relevance. This variant has been reported in individuals with WFS1-related disorders (PMID: 28432734). Also, this variant is rare in population databases. The currently available literature and clinical evidence are not sufficient to establish a definitive association between this variant and the reported condition. Therefore, this variant is classified as a variant of uncertain significance.

PreventionGenetics, part of Exact Sciences
Classification: Uncertain significance for WFS1-related condition. Last evaluated: 2025-06-28. Review status: criteria provided, single submitter. Criteria: ACMG Guidelines, 2015. Collection method: clinical testing. Allele origin: germline.
Comment: The WFS1 c.1549C>T variant is predicted to result in the amino acid substitution p.Arg517Cys. This variant was reported in an individual with diabetes, hearing loss, ataxia, chronic fatigue syndrome, and psychiatric disorders (Astuti et al. 2017. PubMed ID: 28432734). This variant was also reported in large cohorts of individuals with autism (supplementary data, reported as B:4:6301344:C:T in Fu et al. 2022. PubMed ID: 35982160; supplementary data, reported as B:4:6303071:C:T in Zhou et al. 2022. PubMed ID: 35982159). This variant is reported in 0.0085% of alleles in individuals of Latino descent in gnomAD. At this time, the clinical significance of this variant is uncertain due to the absence of conclusive functional and genetic evidence.

Labcorp Genetics (formerly Invitae), Labcorp
Classification: Uncertain significance. Last evaluated: 2025-04-15. Review status: criteria provided, single submitter. Criteria: Invitae Variant Classification Sherloc (09022015). Collection method: clinical testing. Allele origin: germline.
Comment: This sequence change replaces arginine, which is basic and polar, with cysteine, which is neutral and slightly polar, at codon 517 of the WFS1 protein (p.Arg517Cys). This variant is present in population databases (rs371911218, gnomAD 0.01%). This missense change has been observed in individual(s) with Wolfram syndrome (PMID: 28432734). ClinVar contains an entry for this variant (Variation ID: 1396272). Invitae Evidence Modeling of protein sequence and biophysical properties (such as structural, functional, and spatial information, amino acid conservation, physicochemical variation, residue mobility, and thermodynamic stability) indicates that this missense variant is not expected to disrupt WFS1 protein function with a negative predictive value of 95%. In summary, the available evidence is currently insufficient to determine the role of this variant in disease. Therefore, it has been classified as a Variant of Uncertain Significance.

GeneDx
Classification: Uncertain significance. Last evaluated: 2025-03-21. Review status: criteria provided, single submitter. Criteria: GeneDx Variant Classification Process June 2021. Collection method: clinical testing. Allele origin: germline. Affected: yes.
Comment: In silico analysis indicates that this missense variant does not alter protein structure/function; This variant is associated with the following publications: (PMID: 35982159, 35982160, 28432734)

Blueprint Genetics
Classification: Uncertain significance. Last evaluated: 2024-10-24. Review status: criteria provided, single submitter. Criteria: ACMG Guidelines, 2015. Collection method: clinical testing. Allele origin: germline.

Laboratory of Prof. Karen Avraham, Tel Aviv University
Classification: Likely pathogenic for Autosomal dominant nonsyndromic hearing loss 6; Wolfram syndrome 1. Last evaluated: 2024-08-20. Review status: criteria provided, single submitter. Criteria: ACMG Guidelines, 2015. Collection method: research. Allele origin: germline. Affected: yes. Observed: 2 variant alleles.
Comment: The two variants might be in compound heteterozygosity but also if they are in cis, it is probably the cause of deafness as the p.(Arg517Cys) variant has been reported as dominant (PMID: 28432734).

Fulgent Genetics
Classification: Uncertain significance for Cataract 41; Type 2 diabetes mellitus; Wolfram syndrome 1; Autosomal dominant nonsyndromic hearing loss 6; Wolfram-like syndrome. Last evaluated: 2024-02-26. Review status: criteria provided, single submitter. Criteria: ACMG Guidelines, 2015. Collection method: clinical testing. Allele origin: germline.

Literature cited by the submitters: PubMed 28432734 (cited by Dasa and Labcorp Genetics (formerly Invitae), Labcorp).

NM_006005.3(WFS1):c.1549C>T (p.Arg517Cys)

Gene: WFS1 (wolframin ER transmembrane glycoprotein; plus strand). Cytogenetic location: 4p16.1.
Variant type: single nucleotide variant.
Coding change: c.1549C>T on transcript NM_006005.3 (MANE Select); coding-DNA position 1549, C replaced by T.
Protein change: p.Arg517Cys; replaces arginine 517 with cysteine.
Molecular consequence: missense variant.
Genome position (GRCh38, 1-based): chr4:6,301,344, C>T. VCF-style: chr4-6301344-C-T. GRCh37 (hg19) VCF-style: chr4-6303071-C-T.
Other names: c.1549C>T, p.Arg517Cys (NM_001145853.1); short protein forms R517C.
Identifiers: ClinVar variation 1396272 (VCV001396272.14), dbSNP rs371911218, ClinGen allele CA2839398.
Genomic context (GRCh38, chr4:6,301,344, plus strand): 5'-GTCGTCCTCAACGTCAGCGTCCCGTGCCTGCTCTATGTCTACCTGCTCTATCTCTTCTTC[C>T]GCATGGCACAGCTGAGGAATTTCAAGGGCACCTACTGCTACCTTGTGCCCTACCTGGTGT-3'
Protein context (NP_005996.2, residues 507-527): LYVYLLYLFF[Arg517Cys]MAQLRNFKGT